The following is an entry in ClinVar:

ClinVar aggregate classification (germline): Uncertain significance (1 of 4 stars; one submission).

Submission:

GeneDx
Classification: Uncertain significance. Last evaluated: 2025-04-29. Review status: criteria provided, single submitter. Criteria: GeneDx Variant Classification Process June 2021. Collection method: clinical testing. Allele origin: germline. Affected: yes.
Comment: Not observed at significant frequency in large population cohorts (gnomAD); In silico analysis indicates that this missense variant does not alter protein structure/function; Has not been previously published as pathogenic or benign to our knowledge

NM_031475.3(ESPN):c.1342C>G (p.Leu448Val)

Gene: ESPN (espin; plus strand). Cytogenetic location: 1p36.31.
Variant type: single nucleotide variant.
Coding change: c.1342C>G on transcript NM_031475.3 (MANE Select); coding-DNA position 1342, C replaced by G.
Protein change: p.Leu448Val; replaces leucine 448 with valine.
Molecular consequence: missense variant.
Genome position (GRCh38, 1-based): chr1:6,445,813, C>G. VCF-style: chr1-6445813-C-G. GRCh37 (hg19) VCF-style: chr1-6505873-C-G.
Other names: c.1342C>G, p.Leu448Val (NM_001367473.1, NM_001367474.1); short protein forms L448V.
Identifiers: ClinVar variation 4527129 (VCV004527129.1).